The following is an entry in ClinVar:

ClinVar aggregate classification (germline): Uncertain significance (1 of 4 stars; one submission).

Conditions:
Kleefstra syndrome 1 (KLEFS1). Identifiers: Orphanet 261494, MedGen C0795833, MONDO:0027407, OMIM 610253.

gnomAD v4.1: 4 of 1,613,646 alleles (0.00025%); highest among the groups gnomAD compares: Non-Finnish European, 0.00034%; no homozygotes.

Submission:

Labcorp Genetics (formerly Invitae), Labcorp
Classification: Uncertain significance for Kleefstra syndrome 1. Last evaluated: 2023-09-05. Review status: criteria provided, single submitter. Criteria: Invitae Variant Classification Sherloc (09022015). Collection method: clinical testing. Allele origin: germline.
Comment: In summary, the available evidence is currently insufficient to determine the role of this variant in disease. Therefore, it has been classified as a Variant of Uncertain Significance. Advanced modeling of protein sequence and biophysical properties (such as structural, functional, and spatial information, amino acid conservation, physicochemical variation, residue mobility, and thermodynamic stability) performed at Invitae indicates that this missense variant is not expected to disrupt EHMT1 protein function. This sequence change replaces glutamine, which is neutral and polar, with histidine, which is basic and polar, at codon 771 of the EHMT1 protein (p.Gln771His). This variant is not present in population databases (gnomAD no frequency). This variant has not been reported in the literature in individuals affected with EHMT1-related conditions. ClinVar contains an entry for this variant (Variation ID: 1720011).

NM_024757.5(EHMT1):c.2313G>C (p.Gln771His)

Gene: EHMT1 (euchromatic histone lysine methyltransferase 1; plus strand). Cytogenetic location: 9q34.3.
Variant type: single nucleotide variant.
Coding change: c.2313G>C on transcript NM_024757.5 (MANE Select); coding-DNA position 2313, G replaced by C.
Protein change: p.Gln771His; replaces glutamine 771 with histidine.
Molecular consequence: missense variant.
Genome position (GRCh38, 1-based): chr9:137,782,328, G>C. VCF-style: chr9-137782328-G-C. GRCh37 (hg19) VCF-style: chr9-140676780-G-C.
Other names: c.2313G>C, p.Gln771His (NM_001145527.2); c.2220G>C, p.Gln740His (NM_001354259.2); c.2292G>C, p.Gln764His (NM_001354263.2); short protein forms Q740H, Q764H, Q771H.
Identifiers: ClinVar variation 1720011 (VCV001720011.6), dbSNP rs774921741, ClinGen allele CA375782726.